The following is an entry in ClinVar:

NM_015046.7(SETX):c.2404A>G (p.Ser802Gly)

Gene: SETX (senataxin; minus strand). Cytogenetic location: 9q34.13.
Variant type: single nucleotide variant.
Coding change: c.2404A>G on transcript NM_015046.7 (MANE Select); coding-DNA position 2404, A replaced by G.
Protein change: p.Ser802Gly; replaces serine 802 with glycine.
Molecular consequence: missense variant.
Genome position (GRCh38, 1-based): chr9:132,329,194, T>C on the plus strand (A>G on the coding strand, the complement: SETX is on the minus strand). VCF-style: chr9-132329194-T-C. GRCh37 (hg19) VCF-style: chr9-135204581-T-C.
Other names: c.2404A>G, p.Ser802Gly (NM_001351527.2, NM_001351528.2); short protein forms S802G.
Identifiers: ClinVar variation 536384 (VCV000536384.13), dbSNP rs1400027699, ClinGen allele CA375336078.

ClinVar aggregate classification (germline): Conflicting classifications of pathogenicity. Review status: criteria provided, conflicting classifications (1 of 4 stars). 4 submissions from 4 submitters: Uncertain significance (2); Likely benign (1). 1 of the submissions does not count toward it. Last evaluated 2026-05-29.

Conditions:
Inborn genetic diseases. Identifiers: MedGen C0950123, MeSH D030342.
Amyotrophic lateral sclerosis type 4 (ALS4). Also called: NEURONOPATHY, DISTAL HEREDITARY MOTOR, WITH PYRAMIDAL FEATURES; AMYOTROPHIC LATERAL SCLEROSIS 4, JUVENILE. Identifiers: Orphanet 357043, MedGen C1865409, MONDO:0011223, OMIM 602433.
Spinocerebellar ataxia, autosomal recessive, with axonal neuropathy 2 (SCAN2). Also called: ATAXIA-OCULOMOTOR APRAXIA 2; Ataxia with Oculomotor Apraxia; Ataxia with Oculomotor Apraxia Type 2; Ataxia-ocular apraxia-2. Identifiers: Orphanet 64753, MedGen C1853761, MONDO:0018996, OMIM 606002.
SETX-related disorder. Also called: SETX-related condition; SETX-related disorders. Identifiers: MedGen CN239403.

Allele frequency attached by ClinVar (database versions not stated): gnomAD exomes 0.00001; TOPMed 0.00001; gnomAD 0.00003.
gnomAD v4.1: 19 of 1,613,670 alleles (0.0012%); highest among the groups gnomAD compares: Non-Finnish European, 0.0015%; no homozygotes.

Submissions (4):

Women's Health and Genetics/Laboratory Corporation of America, LabCorp
Classification: Uncertain significance. Last evaluated: 2026-05-29. Review status: criteria provided, single submitter. Criteria: LabCorp Variant Classification Summary - May 2015. Collection method: clinical testing. Allele origin: germline.
Comment: Variant summary: SETX c.2404A>G (p.Ser802Gly) results in a non-conservative amino acid change in the encoded protein sequence. Algorithms developed to predict the effect of missense changes on protein structure and function are either unavailable or do not agree on the potential impact of this missense change. The variant allele was found at a frequency of 8e-06 in 249626 control chromosomes. The available data on variant occurrences in the general population are insufficient to allow any conclusion about variant significance. To our knowledge, no occurrence of c.2404A>G in individuals affected with SETX-related conditions and no experimental evidence demonstrating its impact on protein function have been reported. ClinVar contains an entry for this variant (Variation ID: 536384). Based on the evidence outlined above, the variant was classified as uncertain significance.

Labcorp Genetics (formerly Invitae), Labcorp
Classification: Likely benign for Amyotrophic lateral sclerosis type 4; Spinocerebellar ataxia, autosomal recessive, with axonal neuropathy 2. Last evaluated: 2025-10-02. Review status: criteria provided, single submitter. Criteria: Invitae Variant Classification Sherloc (09022015). Collection method: clinical testing. Allele origin: germline.

Ambry Genetics
Classification: Uncertain significance for Inborn genetic diseases. Last evaluated: 2024-01-16. Review status: criteria provided, single submitter. Criteria: Ambry Variant Classification Scheme 2023. Collection method: clinical testing. Allele origin: germline.

PreventionGenetics, part of Exact Sciences
Classification: Uncertain significance for SETX-related condition. Last evaluated: 2024-02-01. Review status: no assertion criteria provided. Collection method: clinical testing. Allele origin: germline. Not counted in ClinVar's aggregate classification.
Comment: The SETX c.2404A>G variant is predicted to result in the amino acid substitution p.Ser802Gly. To our knowledge, this variant has not been reported in the literature. This variant is reported in 0.0023% of alleles in individuals of European (Non-Finnish) descent in gnomAD . At this time, the clinical significance of this variant is uncertain due to the absence of conclusive functional and genetic evidence.